The following is an entry in ClinVar:

ClinVar aggregate classification (germline): Conflicting classifications of pathogenicity. Review status: criteria provided, conflicting classifications (1 of 4 stars). 11 submissions from 11 submitters: Uncertain significance (10); Likely benign (1). Last evaluated 2026-01-28.

Conditions:
Mandibular hypoplasia-deafness-progeroid syndrome. Also called: Mandibular hypoplasia, deafness, progeroid features, and lipodystrophy syndrome. Identifiers: Orphanet 363649, MedGen C3715192, MONDO:0014157, OMIM 615381.
Immunodeficiency 120. Identifiers: MedGen C5935622, MONDO:0970994, OMIM 620836.
POLD1-related polyposis and colorectal cancer syndrome (CRCS10). Also called: Colorectal cancer 10; COLORECTAL CANCER, SUSCEPTIBILITY TO, ON CHROMOSOME 19q; Colorectal cancer, susceptibility to, 10. Identifiers: Orphanet 220460, MedGen C2675481, MONDO:0012953, OMIM 612591.
Hereditary cancer-predisposing syndrome. Also called: Tumor predisposition; Hereditary Cancer Syndrome; Neoplastic Syndromes, Hereditary; Hereditary neoplastic syndrome. Identifiers: Orphanet 140162, MedGen C0027672, MeSH D009386, MONDO:0015356.
POLD1-related disorder. Also called: POLD1-related condition; POLD1-related disorders.

Allele frequency attached by ClinVar (database versions not stated): gnomAD 0.00001; ExAC 0.00003; gnomAD exomes 0.00003 and 0.00007; TOPMed 0.00003; ESP Exome Variant Server 0.00008.
gnomAD v4.1: 102 of 1,611,816 alleles (0.0063%); highest among the groups gnomAD compares: Non-Finnish European, 0.0082%; no homozygotes.

Submissions (11):

Labcorp Genetics (formerly Invitae), Labcorp
Classification: Uncertain significance for POLD1-related polyposis and colorectal cancer syndrome. Last evaluated: 2026-01-28. Review status: criteria provided, single submitter. Criteria: Invitae Variant Classification Sherloc (09022015). Collection method: clinical testing. Allele origin: germline.
Comment: This sequence change replaces glycine, which is neutral and non-polar, with glutamic acid, which is acidic and polar, at codon 68 of the POLD1 protein (p.Gly68Glu). This variant is present in population databases (rs144707871, gnomAD 0.007%). This variant has not been reported in the literature in individuals affected with POLD1-related conditions. ClinVar contains an entry for this variant (Variation ID: 239267). An algorithm developed to predict the effect of missense changes on protein structure and function (PolyPhen-2) suggests that this variant is likely to be disruptive. Studies have shown that this missense change is associated with inconclusive levels of altered splicing (internal data). In summary, the available evidence is currently insufficient to determine the role of this variant in disease. Therefore, it has been classified as a Variant of Uncertain Significance.

Ambry Genetics
Classification: Uncertain significance for Hereditary cancer-predisposing syndrome. Last evaluated: 2024-12-17. Review status: criteria provided, single submitter. Criteria: Ambry Variant Classification Scheme 2023. Collection method: clinical testing. Allele origin: germline.
Comment: The p.G68E variant (also known as c.203G>A) is located in coding exon 2 of the POLD1 gene. The glycine at codon 68 is replaced by glutamic acid, an amino acid with similar properties. This variant impacts the first base pair of coding exon 2. This amino acid position is highly conserved in available vertebrate species. In addition, this alteration is predicted to be tolerated by in silico analysis. Based on the available evidence, the clinical significance of this variant remains unclear.

GeneDx
Classification: Uncertain significance. Last evaluated: 2024-10-29. Review status: criteria provided, single submitter. Criteria: GeneDx Variant Classification Process June 2021. Collection method: clinical testing. Allele origin: germline. Affected: yes.
Comment: In silico analysis indicates that this missense variant does not alter protein structure/function; Has not been previously published as pathogenic or benign to our knowledge

PreventionGenetics, part of Exact Sciences
Classification: Uncertain significance for POLD1-related condition. Last evaluated: 2023-07-20. Review status: criteria provided, single submitter. Criteria: ACMG Guidelines, 2015. Collection method: clinical testing. Allele origin: germline.
Comment: The POLD1 c.203G>A variant is predicted to result in the amino acid substitution p.Gly68Glu. To our knowledge, this variant has not been reported in the literature. This variant is reported in 0.0071% of alleles in individuals of European (Non-Finnish) descent in gnomAD. It is interpreted as uncertain significance in ClinVar. At this time, the clinical significance of this variant is uncertain due to the absence of conclusive functional and genetic evidence.

Department of Pathology and Laboratory Medicine, Sinai Health System
Classification: Uncertain significance for POLD1-related polyposis and colorectal cancer syndrome; Mandibular hypoplasia-deafness-progeroid syndrome; Immunodeficiency 120. Last evaluated: 2023-07-11. Review status: criteria provided, single submitter. Criteria: ACMG Guidelines, 2015. Collection method: clinical testing. Allele origin: germline. Affected: yes.

CeGaT Center for Human Genetics Tuebingen
Classification: Likely benign. Last evaluated: 2022-07-01. Review status: criteria provided, single submitter. Criteria: CeGaT Center For Human Genetics Tuebingen Variant Classification Criteria Version 2. Collection method: clinical testing. Allele origin: germline. Affected: yes. Observed: 1 variant allele.
Comment: POLD1: BP4

ARUP Laboratories, Molecular Genetics and Genomics, ARUP Laboratories
Classification: Uncertain significance. Last evaluated: 2022-04-14. Review status: criteria provided, single submitter. Criteria: ARUP Molecular Germline Variant Investigation Process 2021. Collection method: clinical testing. Allele origin: germline.
Comment: The POLD1 c.203G>A; p.Gly68Glu variant (rs144707871), to our knowledge, is not reported in the medical literature but is reported in ClinVar (Variation ID: 239267). This variant is found in the general population with an overall allele frequency of 0.003% (8/250932 alleles) in the Genome Aggregation Database. The glycine at codon 68 is moderately conserved, but computational analyses predict that this variant is neutral (REVEL: 0.107). This variant is not located in the exonuclease domain (Palles 2013), and gene-disease association has not been established for variants outside of the exonuclease domain (Seifert 2019). However, due to limited information, the clinical significance of this variant is uncertain at this time. References: Palles C et al. Germline mutations affecting the proofreading domains of POLE and POLD1 predispose to colorectal adenomas and carcinomas. Nat Genet. 2013 Feb;45(2):136-44. PMID: 23263490 Seifert BA et al. Determining the clinical validity of hereditary colorectal cancer and polyposis susceptibility genes using the Clinical Genome Resource Clinical Validity Framework. Genet Med. 2019 Jul;21(7):1507-1516. PMID: 30523343

St. Jude Molecular Pathology, St. Jude Children's Research Hospital
Classification: Uncertain significance for POLD1-related polyposis and colorectal cancer syndrome. Last evaluated: 2021-08-10. Review status: criteria provided, single submitter. Criteria: St. Jude Assertion Criteria 2020. Collection method: clinical testing. Allele origin: germline.
Comment: The POLD1 c.203G>A (p.Gly68Glu) missense change has a maximum subpopulation frequency of 0.0071% in gnomAD v2.1.1. Four of six in silico tools predict a benign effect of this variant on protein function (BP4), but to our knowledge these predictions have not been confirmed by functional assays. In addition, algorithms that predict the impact of sequence changes on splicing indicate that this change is unlikely to significantly impact splicing. To our knowledge, this variant has not been reported in the literature in individuals with POLD1-related disease. In summary, this variant meets criteria to be classified as of uncertain significance based on the ACMG/AMP criteria: BP4.

Fulgent Genetics
Classification: Uncertain significance for POLD1-related polyposis and colorectal cancer syndrome; Mandibular hypoplasia-deafness-progeroid syndrome. Last evaluated: 2018-10-31. Review status: criteria provided, single submitter. Criteria: ACMG Guidelines, 2015. Collection method: clinical testing. Allele origin: unknown.

Laboratory for Molecular Medicine, Mass General Brigham Personalized Medicine
Classification: Uncertain significance. Last evaluated: 2016-12-08. Review status: criteria provided, single submitter. Criteria: LMM Criteria. Collection method: clinical testing. Allele origin: germline. Observed: 1 variant allele.
Comment: The p.Gly68Glu variant in POLD1 has not been previously reported in individuals with colorectal cancer. This variant has been identified in 3/66138 European chr omosomes by the Exome Aggregation Consortium (ExAC, rg; dbSNP rs144707871). Computational prediction tools and conservation analysis do not provide strong support for or against an impact to the protein. This var iant is located in the first base of the exon (which is part of the 3? splice re gion) but computational tools do not suggest a significant impact on splicing. H owever, this information is not predictive enough to determine pathogenicity. In summary, the clinical significance of the p.Gly68Glu variant is uncertain.

Quest Diagnostics Nichols Institute San Juan Capistrano
Classification: Uncertain significance. Last evaluated: 2016-08-04. Review status: criteria provided, single submitter. Criteria: Quest Diagnostics criteria. Collection method: clinical testing. Allele origin: germline.

NM_002691.4(POLD1):c.203G>A (p.Gly68Glu)

Gene: POLD1 (DNA polymerase delta 1, catalytic subunit; plus strand). Cytogenetic location: 19q13.33.
Variant type: single nucleotide variant.
Coding change: c.203G>A on transcript NM_002691.4 (MANE Select); coding-DNA position 203, G replaced by A.
Protein change: p.Gly68Glu; replaces glycine 68 with glutamic acid.
Molecular consequence: missense variant. On other transcripts: non-coding transcript variant (1).
Genome position (GRCh38, 1-based): chr19:50,399,371, G>A. VCF-style: chr19-50399371-G-A. GRCh37 (hg19) VCF-style: chr19-50902628-G-A.
Other names: c.203G>A (NM_002691.2); c.203G>A, p.Gly68Glu (NM_001256849.1, NM_001308632.1); short protein forms G68E.
Identifiers: ClinVar variation 239267 (VCV000239267.48), dbSNP rs144707871, ClinGen allele CA9595650.